The following is an entry in ClinVar:

NM_002691.4(POLD1):c.939C>T (p.Leu313=)

Gene: POLD1 (DNA polymerase delta 1, catalytic subunit; plus strand). Cytogenetic location: 19q13.33.
Variant type: single nucleotide variant.
Coding change: c.939C>T on transcript NM_002691.4 (MANE Select); coding-DNA position 939, C replaced by T.
Protein change: p.Leu313=; no amino-acid change (leucine 313 retained).
Molecular consequence: synonymous variant. On other transcripts: non-coding transcript variant (1).
Genome position (GRCh38, 1-based): chr19:50,402,710, C>T. VCF-style: chr19-50402710-C-T. GRCh37 (hg19) VCF-style: chr19-50905967-C-T.
Other names: c.939C>T, p.Leu313= (NM_001256849.1, NM_001308632.1); c.939C>T (NM_002691.3).
Identifiers: ClinVar variation 3222754 (VCV003222754.3), dbSNP rs2122259809, ClinGen allele CA508182099.

ClinVar aggregate classification (germline): Benign/Likely benign. Review status: criteria provided, multiple submitters, no conflicts (2 of 4 stars). 3 submissions from 3 submitters: Benign (1); Likely benign (2). Last evaluated 2025-09-01.

Conditions:
Hereditary cancer-predisposing syndrome. Also called: Neoplastic Syndromes, Hereditary; Tumor predisposition; Hereditary Cancer Syndrome; Hereditary neoplastic syndrome. Identifiers: Orphanet 140162, MedGen C0027672, MeSH D009386, MONDO:0015356.
POLD1-related polyposis and colorectal cancer syndrome (CRCS10). Also called: Colorectal cancer 10; COLORECTAL CANCER, SUSCEPTIBILITY TO, ON CHROMOSOME 19q; Colorectal cancer, susceptibility to, 10. Identifiers: Orphanet 220460, MedGen C2675481, MONDO:0012953, OMIM 612591.

Submissions (3):

Quest Diagnostics Nichols Institute San Juan Capistrano
Classification: Likely benign. Last evaluated: 2025-09-01. Review status: criteria provided, single submitter. Criteria: Quest Diagnostics criteria. Collection method: clinical testing. Allele origin: unknown.

Myriad Genetics, Inc.
Classification: Benign for POLD1-related polyposis and colorectal cancer syndrome. Last evaluated: 2025-02-05. Review status: criteria provided, single submitter. Criteria: Myriad Autosomal Dominant, Autosomal Recessive and X-Linked Classification Criteria (2023). Collection method: clinical testing. Allele origin: unknown.
Comment: This variant is considered benign. This variant is a silent/synonymous amino acid change and it is not expected to impact splicing.

Ambry Genetics
Classification: Likely benign for Hereditary cancer-predisposing syndrome. Last evaluated: 2023-10-13. Review status: criteria provided, single submitter. Criteria: Ambry Variant Classification Scheme 2023. Collection method: clinical testing. Allele origin: germline.